The following is an entry in ClinVar:

NM_020911.2(PLXNA4):c.2097+4G>T

Gene: PLXNA4 (plexin A4; minus strand). Cytogenetic location: 7q32.3.
Variant type: single nucleotide variant.
Coding change: c.2097+4G>T on transcript NM_020911.2 (MANE Select); 4 bases into the intron after coding-DNA position 2097, G replaced by T.
Molecular consequence: intron variant.
Genome position (GRCh38, 1-based): chr7:132,223,523, C>A on the plus strand (G>T on the coding strand, the complement: PLXNA4 is on the minus strand). VCF-style: chr7-132223523-C-A. GRCh37 (hg19) VCF-style: chr7-131908282-C-A.
Other names: c.2097+4G>T (NM_001393897.1).
Identifiers: ClinVar variation 4994473 (VCV004994473.1).

ClinVar aggregate classification (germline): Uncertain significance (1 of 4 stars; one submission).

Conditions:
PLXNA4-related disorder. Also called: PLXNA4-related condition.

gnomAD v4.1: 8 of 1,610,466 alleles (0.0005%); highest among the groups gnomAD compares: Non-Finnish European, 0.00068%; no homozygotes.

Submission:

PreventionGenetics, part of Exact Sciences
Classification: Uncertain significance for PLXNA4-related condition. Last evaluated: 2026-03-11. Review status: criteria provided, single submitter. Criteria: ACMG Guidelines, 2015. Collection method: clinical testing. Allele origin: germline.
Comment: The PLXNA4 c.2097+4G>T variant is predicted to interfere with splicing. To our knowledge, this variant has not been reported in the literature. This variant is reported in 0.0036% of alleles in individuals of European (Non-Finnish) descent in gnomAD. At this time, the clinical significance of this variant is uncertain due to the absence of conclusive functional and genetic evidence.